The following is an entry in ClinVar:

ClinVar aggregate classification (germline): Pathogenic (1 of 4 stars; one submission).

Conditions:
Neurofibromatosis, type 1 (NF1). Also called: NEUROFIBROMATOSIS, TYPE I, SOMATIC; VON RECKLINGHAUSEN DISEASE; Peripheral type neurofibromatosis; Neurofibromatosis, type I. Identifiers: Orphanet 636, MedGen C0027831, MONDO:0018975, OMIM 162200. Disease mechanism: loss of function.

Submission:

Labcorp Genetics (formerly Invitae), Labcorp
Classification: Pathogenic for Neurofibromatosis, type 1. Last evaluated: 2025-05-26. Review status: criteria provided, single submitter. Criteria: Invitae Variant Classification Sherloc (09022015). Collection method: clinical testing. Allele origin: germline.
Comment: This sequence change creates a premature translational stop signal (p.Asp1203Glyfs*12) in the NF1 gene. It is expected to result in an absent or disrupted protein product. Loss-of-function variants in NF1 are known to be pathogenic (PMID: 10712197, 23913538). This variant is not present in population databases (gnomAD no frequency). This variant has not been reported in the literature in individuals affected with NF1-related conditions. For these reasons, this variant has been classified as Pathogenic.

Literature cited by the submitters: PubMed 10712197; PubMed 23913538.

NM_001042492.3(NF1):c.3608_3615del (p.Asp1203fs)

Gene: NF1 (neurofibromin 1; plus strand). Cytogenetic location: 17q11.2.
Variant type: Deletion.
Coding change: c.3608_3615del on transcript NM_001042492.3 (MANE Select); coding-DNA positions 3608 to 3615, 8 bases deleted (ATCGGTTT; older notation c.3608_3615delATCGGTTT).
Protein change: p.Asp1203fs; shifts the reading frame from aspartic acid 1203.
Molecular consequence: frameshift variant.
Genome position (GRCh38, 1-based): chr17:31,233,113-31,233,120, ATCGGTTT deleted. VCF-style (leftmost placement, unchanged base first): chr17-31233112-GATCGGTTT-G. GRCh37 (hg19) VCF-style: chr17-29560130-GATCGGTTT-G.
Other names: c.3608_3615del, p.Asp1203fs (NM_000267.4); short protein forms D1203fs.
Identifiers: ClinVar variation 4720240 (VCV004720240.1).
Genomic context (GRCh38, chr17:31,233,112, plus strand): 5'-CTGACAAAAATCCTTCAACAAGGCACAGAATTTGACACACTTGCAGAAACAGTATTGGCT[GATCGGTTT>G]GAGAGATTGGTGGAACTGGTCACAATGATGGGTGATCAAGGAGAACTCCCTATAGCGATG-3'